The following is an entry in ClinVar:

NM_170606.3(KMT2C):c.10724_10725dup (p.Ile3576fs)

Gene: KMT2C (lysine methyltransferase 2C; minus strand). Cytogenetic location: 7q36.1.
Variant type: Duplication.
Coding change: c.10724_10725dup on transcript NM_170606.3 (MANE Select); coding-DNA positions 10724 to 10725, 2 bases duplicated (CT; older notation c.10724_10725dupCT).
Protein change: p.Ile3576fs; shifts the reading frame from isoleucine 3576.
Molecular consequence: frameshift variant.
Genome position (GRCh38, 1-based): chr7:152,162,852-152,162,853, AG duplicated on the plus strand (CT on the coding strand, the reverse complement: KMT2C is on the minus strand). VCF-style (leftmost placement, unchanged base first): chr7-152162851-T-TAG. GRCh37 (hg19) VCF-style: chr7-151859936-T-TAG.
Other names: c.10724_10725dupCT (NM_170606.3); short protein forms I3576fs.
Identifiers: ClinVar variation 1806262 (VCV001806262.3), dbSNP rs2487689029, ClinGen allele CA923726252.

ClinVar aggregate classification (germline): Pathogenic/Likely pathogenic. Review status: criteria provided, multiple submitters, no conflicts (2 of 4 stars). 2 submissions from 2 submitters: Pathogenic (1); Likely pathogenic (1). Last evaluated 2023-07-16.

Conditions:
KMT2C-related NDD.
Kleefstra syndrome 2 (KLEFS2). Identifiers: MedGen C4540395, MONDO:0054701, OMIM 617768.

Submissions (2):

Victorian Clinical Genetics Services, Murdoch Childrens Research Institute
Classification: Pathogenic for Kleefstra syndrome 2. Last evaluated: 2023-07-16. Review status: criteria provided, single submitter. Criteria: ACMG Guidelines, 2015. Collection method: clinical testing. Allele origin: germline. Inheritance: Autosomal dominant inheritance. Affected: yes.
Comment: Based on the classification scheme VCGS_Germline_v1.3.4, this variant is classified as Pathogenic. Following criteria are met: 0102 - Loss of function is a known mechanism of disease in this gene and is associated with Kleefstra syndrome 2 (MIM#617768). (I) 0107 - This gene is associated with autosomal dominant disease. (I) 0201 - Variant is predicted to cause nonsense-mediated decay (NMD) and loss of protein (premature termination codon is located at least 54 nucleotides upstream of the final exon-exon junction). (SP) 0251 - This variant is heterozygous. (I) 0301 - Variant is absent from gnomAD (both v2 and v3). (SP) 0701 - Other NMD-predicted variants comparable to the one identified in this case have very strong previous evidence for pathogenicity. More than 10 other NMD-predicted variants have previously been reported as pathogenic in patients with Kleefstra syndrome (ClinVar, DECIPHER). (SP) 0802 - This variant has moderate previous evidence of pathogenicity in an unrelated individual. This variant has been reported as pathogenic, heterozygous and de novo (unconfirmed parentage) in an individual in DECIPHER with limited phenotypic information provided. (SP) 0905 - No published segregation evidence has been identified for this variant. (I) 1007 - No published functional evidence has been identified for this variant. (SP) Legend: (SP) - Supporting pathogenic, (I) - Information, (SB) - Supporting benign

Laboratory of Genetics, Children's Clinical University Hospital Latvia
Classification: Likely pathogenic for KMT2C-related NDD. Review status: criteria provided, single submitter. Criteria: ACMG Guidelines, 2015. Collection method: research. Allele origin: de novo. Affected: yes.

Literature cited by the submitters: PubMed 39013459 (cited by Laboratory of Genetics, Children's Clinical University Hospital Latvia).